The following is an entry in ClinVar:

NM_133642.5(LARGE1):c.1287C>T (p.Asn429=)

Gene: LARGE1 (LARGE xylosyl- and glucuronyltransferase 1; minus strand). Cytogenetic location: 22q12.3.
Variant type: single nucleotide variant.
Coding change: c.1287C>T on transcript NM_133642.5 (MANE Select); coding-DNA position 1287, C replaced by T.
Protein change: p.Asn429=; no amino-acid change (asparagine 429 retained).
Molecular consequence: synonymous variant. On other transcripts: intron variant (2).
Genome position (GRCh38, 1-based): chr22:33,337,646, G>A on the plus strand (C>T on the coding strand, the complement: LARGE1 is on the minus strand). VCF-style: chr22-33337646-G-A. GRCh37 (hg19) VCF-style: chr22-33733632-G-A.
Other names: c.1287C>T, p.Asn429= (NM_001362949.2, NM_001362951.2, NM_001362953.2 and 6 more transcripts); c.684C>T, p.Asn228= (NM_001378630.1); c.1132-21398C>T (NM_001378629.1); c.529-21398C>T (NM_001378631.1).
Identifiers: ClinVar variation 341434 (VCV000341434.11), dbSNP rs561439887, ClinGen allele CA10202811.

ClinVar aggregate classification (germline): Conflicting classifications of pathogenicity. Review status: criteria provided, conflicting classifications (1 of 4 stars). 4 submissions from 3 submitters: Uncertain significance (3); Likely benign (1). Last evaluated 2022-08-22.

Conditions:
Muscular dystrophy-dystroglycanopathy (congenital with brain and eye anomalies), type A6. Also called: MUSCULAR DYSTROPHY-DYSTROGLYCANOPATHY (CONGENITAL WITH BRAIN AND EYE ANOMALIES), TYPE A, 6; WALKER-WARBURG SYNDROME OR MUSCLE-EYE-BRAIN DISEASE, LARGE-RELATED. Identifiers: Orphanet 588, Orphanet 899, MedGen C3150414, MONDO:0013158, OMIM 613154.
Muscular dystrophy-dystroglycanopathy type B6 (MDDGB6). Also called: MUSCULAR DYSTROPHY, CONGENITAL, LARGE-RELATED; MUSCULAR DYSTROPHY, CONGENITAL, TYPE 1D; MUSCULAR DYSTROPHY-DYSTROGLYCANOPATHY (CONGENITAL WITH IMPAIRED INTELLECTUAL DEVELOPMENT), TYPE B, 6. Identifiers: MedGen C1837229, MONDO:0012138, OMIM 608840.

Allele frequency attached by ClinVar (database versions not stated): TOPMed 0.00003; gnomAD 0.00004; 1000 Genomes Project 30x 0.00016; 1000 Genomes Project 0.00020.
gnomAD v4.1: 62 of 1,614,024 alleles (0.0038%); highest among the groups gnomAD compares: Middle Eastern, 0.033%; no homozygotes.

Submissions (4):

Labcorp Genetics (formerly Invitae), Labcorp
Classification: Uncertain significance for Muscular dystrophy-dystroglycanopathy type B6. Last evaluated: 2022-08-22. Review status: criteria provided, single submitter. Criteria: Invitae Variant Classification Sherloc (09022015). Collection method: clinical testing. Allele origin: germline.
Comment: This sequence change affects codon 429 of the LARGE1 mRNA. It is a 'silent' change, meaning that it does not change the encoded amino acid sequence of the LARGE1 protein. It affects a nucleotide within the consensus splice site. This variant is present in population databases (rs561439887, gnomAD 0.02%). This variant has not been reported in the literature in individuals affected with LARGE1-related conditions. ClinVar contains an entry for this variant (Variation ID: 341434). Algorithms developed to predict the effect of sequence changes on RNA splicing suggest that this variant is not likely to affect RNA splicing. In summary, the available evidence is currently insufficient to determine the role of this variant in disease. Therefore, it has been classified as a Variant of Uncertain Significance.

Athena Diagnostics
Classification: Likely benign. Last evaluated: 2020-08-18. Review status: criteria provided, single submitter. Criteria: Athena Diagnostics Criteria. Collection method: clinical testing. Allele origin: unknown.

Illumina Laboratory Services, Illumina
Classification: Uncertain significance for Muscular dystrophy-dystroglycanopathy type B6. Last evaluated: 2018-01-13. Review status: criteria provided, single submitter. Criteria: ICSL Variant Classification Criteria 13 December 2019. Collection method: clinical testing. Allele origin: germline.

Illumina Laboratory Services, Illumina
Classification: Uncertain significance for Muscular dystrophy-dystroglycanopathy (congenital with brain and eye anomalies), type A6. Last evaluated: 2018-01-13. Review status: criteria provided, single submitter. Criteria: ICSL Variant Classification Criteria 13 December 2019. Collection method: clinical testing. Allele origin: germline.